The following is an entry in ClinVar:

NM_000059.4(BRCA2):c.5672C>T (p.Ala1891Val)

Gene: BRCA2 (BRCA2 DNA repair associated; plus strand). Cytogenetic location: 13q13.1.
Variant type: single nucleotide variant.
Coding change: c.5672C>T on transcript NM_000059.4 (MANE Select); coding-DNA position 5672, C replaced by T.
Protein change: p.Ala1891Val; replaces alanine 1891 with valine.
Molecular consequence: missense variant.
Genome position (GRCh38, 1-based): chr13:32,340,027, C>T. VCF-style: chr13-32340027-C-T. GRCh37 (hg19) VCF-style: chr13-32914164-C-T.
Other names: p.A1891V:GCA>GTA; 5900C>T; short protein forms A1891V.
Identifiers: ClinVar variation 37987 (VCV000037987.29), dbSNP rs397507360, ClinGen allele CA022933.
Genomic context (GRCh38, chr13:32,340,027, plus strand): 5'-GTAAAGTAATTAAGGAAAACAACGAGAATAAATCAAAAATTTGCCAAACGAAAATTATGG[C>T]AGGTTGTTACGAGGCATTGGATGATTCAGAGGATATTCTTCATAACTCTCTAGATAATGA-3'
Protein context (NP_000050.3, residues 1881-1901): KSKICQTKIM[Ala1891Val]GCYEALDDSE

ClinVar aggregate classification (germline): Conflicting classifications of pathogenicity. Review status: criteria provided, conflicting classifications (1 of 4 stars). 10 submissions from 10 submitters: Uncertain significance (8); Likely benign (1). 1 of the submissions does not count toward it. Last evaluated 2026-01-19.

Conditions:
Hereditary cancer-predisposing syndrome. Also called: Hereditary neoplastic syndrome; Hereditary Cancer Syndrome; Tumor predisposition; Neoplastic Syndromes, Hereditary. Identifiers: Orphanet 140162, MedGen C0027672, MeSH D009386, MONDO:0015356.
Glioma susceptibility 3 (GLM3). Also called: Glioblastoma 3. Identifiers: Orphanet 182067, Orphanet 360, MedGen C2751641, MONDO:0013093, OMIM 613029.
Prostate cancer. Also called: Malignant tumor of prostate. Identifiers: Orphanet 1331, MedGen C0376358, MONDO:0008315, HP:0012125.
Breast-ovarian cancer, familial, susceptibility to, 2 (BROVCA2). Also called: BRCA2 Hereditary Breast and Ovarian Cancer. Identifiers: Orphanet 145, MedGen C2675520, MONDO:0012933, OMIM 612555. Disease mechanism: loss of function.
Wilms tumor 1 (WT1). Also called: Wilms tumor, somatic. Identifiers: Orphanet 654, MedGen CN033288, MONDO:0008679, OMIM 194070.
Medulloblastoma (MDB). Also called: MEDULLOBLASTOMA PREDISPOSITION SYNDROME; Medulloblastoma, somatic. Identifiers: Orphanet 616, MedGen C0025149, MeSH D008527, MONDO:0007959, OMIM 155255, HP:0002885.
Fanconi anemia complementation group D1. Also called: BRCA2-Related Fanconi Anemia. Identifiers: Orphanet 319462, MedGen C1838457, MONDO:0011584, OMIM 605724.
Familial cancer of breast. Also called: Hereditary breast cancer; hereditary breast carcinoma; BREAST CANCER, FAMILIAL. Identifiers: Orphanet 227535, MedGen C0346153, MONDO:0016419, OMIM 114480. Disease mechanism: loss of function.
Pancreatic cancer, susceptibility to, 2. Identifiers: Orphanet 1333, MedGen C3150546, MONDO:0013235, OMIM 613347.
Hereditary breast ovarian cancer syndrome. Also called: Breast and ovarian cancer; Hereditary breast and/or ovarian cancer syndrome; Hereditary breast and ovarian cancer; Hereditary breast and ovarian cancer syndrome; BRCA1- and BRCA2-Associated Hereditary Breast and Ovarian Cancer; Hereditary breast and ovarian cancer syndrome (HBOC). Identifiers: Orphanet 145, MedGen C0677776, MeSH D061325, MONDO:0003582. Disease mechanism: loss of function.

Allele frequency attached by ClinVar (database versions not stated): gnomAD exomes 0.00001; gnomAD 0.00001; TOPMed 0.00001.
gnomAD v4.1: 11 of 1,613,162 alleles (0.00068%); highest among the groups gnomAD compares: African/African-American, 0.0013%; no homozygotes.

Submissions (10):

Labcorp Genetics (formerly Invitae), Labcorp
Classification: Uncertain significance for Hereditary breast ovarian cancer syndrome. Last evaluated: 2026-01-19. Review status: criteria provided, single submitter. Criteria: Invitae Variant Classification Sherloc (09022015). Collection method: clinical testing. Allele origin: germline.
Comment: This sequence change replaces alanine, which is neutral and non-polar, with valine, which is neutral and non-polar, at codon 1891 of the BRCA2 protein (p.Ala1891Val). This variant is present in population databases (rs397507360, gnomAD 0.003%). This missense change has been observed in individual(s) with breast cancer (PMID: 30982232). ClinVar contains an entry for this variant (Variation ID: 37987). Invitae Evidence Modeling of protein sequence and biophysical properties (such as structural, functional, and spatial information, amino acid conservation, physicochemical variation, residue mobility, and thermodynamic stability) indicates that this missense variant is not expected to disrupt BRCA2 protein function with a negative predictive value of 95%. RNA analysis performed to evaluate the impact of this missense change on mRNA splicing indicates it does not significantly alter splicing (internal data). In summary, the available evidence is currently insufficient to determine the role of this variant in disease. Therefore, it has been classified as a Variant of Uncertain Significance.

Ambry Genetics
Classification: Uncertain significance for Hereditary cancer-predisposing syndrome. Last evaluated: 2025-12-11. Review status: criteria provided, single submitter. Criteria: Ambry Variant Classification Scheme 2023. Collection method: clinical testing. Allele origin: germline.
Comment: The p.A1891V variant (also known as c.5672C>T), located in coding exon 10 of the BRCA2 gene, results from a C to T substitution at nucleotide position 5672. The alanine at codon 1891 is replaced by valine, an amino acid with similar properties. This amino acid position is poorly conserved in available vertebrate species. In addition, this alteration is predicted to be tolerated by in silico analysis. Based on the available evidence, the clinical significance of this variant remains unclear.

Quest Diagnostics Nichols Institute San Juan Capistrano
Classification: Uncertain significance. Last evaluated: 2024-09-05. Review status: criteria provided, single submitter. Criteria: Quest Diagnostics criteria. Collection method: clinical testing. Allele origin: unknown.
Comment: The BRCA2 c.5672C>T (p.Ala1891Val) variant has been reported in the published literature in an individual with breast cancer (PMID: 30982232 (2019)) and is described to be located in a region of the BRCA2 gene that is tolerant to missense sequence changes (PMID: 31911673 (2020)). The frequency of this variant in the general population, 0.000027 (3/113160 chromosomes (Genome Aggregation Database)), is uninformative in the assessment of its pathogenicity. Analysis of this variant using bioinformatics tools for the prediction of the effect of amino acid changes on protein structure and function yielded predictions that this variant is benign. Based on the available information, we are unable to determine the clinical significance of this variant.

All of Us Research Program, National Institutes of Health
Classification: Uncertain significance for Breast-ovarian cancer, familial, susceptibility to, 2. Last evaluated: 2023-10-06. Review status: criteria provided, single submitter. Criteria: ACMG Guidelines, 2015. Collection method: clinical testing. Allele origin: germline. Inheritance: Autosomal dominant inheritance. Observed: 1 variant allele, 1 heterozygote.
Comment: This missense variant replaces alanine with valine at codon 1891 of the BRCA2 protein. Computational prediction suggests that this variant may not impact protein structure and function (internally defined REVEL score threshold <= 0.5, PMID: 27666373). Splice site prediction tools suggest that this variant may not impact RNA splicing. To our knowledge, functional studies have not been performed for this variant. This variant has not been reported in individuals affected with hereditary cancer in the literature. This variant has been identified in 3/250216 chromosomes in the general population by the Genome Aggregation Database (gnomAD). The available evidence is insufficient to determine the role of this variant in disease conclusively. Therefore, this variant is classified as a Variant of Uncertain Significance.

This study involves interpretation of variants in research participants for the purpose of population health screening. Participant phenotype was not available at the time of variant classification. Additional details can be found in publication PMID: 35346344, PMCID: PMC8962531

Color Diagnostics, LLC DBA Color Health
Classification: Uncertain significance for Hereditary cancer-predisposing syndrome. Last evaluated: 2023-09-13. Review status: criteria provided, single submitter. Criteria: ACMG Guidelines, 2015. Collection method: clinical testing. Allele origin: germline.
Comment: This missense variant replaces alanine with valine at codon 1891 of the BRCA2 protein. Computational prediction suggests that this variant may not impact protein structure and function (internally defined REVEL score threshold <= 0.5, PMID: 27666373). To our knowledge, functional studies have not been reported for this variant. This variant has been reported in an individual affected with breast cancer (PMID: 30982232).. This variant has been identified in 3/250216 chromosomes in the general population by the Genome Aggregation Database (gnomAD). The available evidence is insufficient to determine the role of this variant in disease conclusively. Therefore, this variant is classified as a Variant of Uncertain Significance.

University of Washington Department of Laboratory Medicine, University of Washington
Classification: Likely benign for Hereditary cancer-predisposing syndrome. Last evaluated: 2023-03-23. Review status: criteria provided, single submitter. Criteria: Dines et al. (Genet Med. 2020). Collection method: curation. Allele origin: germline.
Comment: Missense variant in a coldspot region where missense variants are very unlikely to be pathogenic (PMID:31911673).

BRCA2 exon 11 coldspot. Reclassification based on statistical prior probability.

Fulgent Genetics
Classification: Uncertain significance for Familial cancer of breast; Medulloblastoma; Familial prostate cancer; Wilms tumor 1; Fanconi anemia complementation group D1; Breast-ovarian cancer, familial, susceptibility to, 2; Glioma susceptibility 3; Pancreatic cancer, susceptibility to, 2. Last evaluated: 2021-09-23. Review status: criteria provided, single submitter. Criteria: ACMG Guidelines, 2015. Collection method: clinical testing. Allele origin: unknown.

GeneDx
Classification: Uncertain significance. Last evaluated: 2014-05-29. Review status: criteria provided, single submitter. Criteria: GeneDx Variant Classification (06012015). Collection method: clinical testing. Allele origin: germline. Affected: yes.
Comment: This variant is denoted BRCA2 c.5672C>T at the cDNA level, p.Ala1891Val (A1891V) at the protein level, and results in the change of an Alanine to a Valine (GCA>GTA). This variant has not, to our knowledge, been published in the literature as pathogenic or benign. Although the variant creates a new cryptic donor site, the probability of it being used is significantly lower than the natural donor site; thus, the cryptic site is unlikely to have a deleterious effect on the protein. BRCA2 Ala1891Val was not observed in approximately 6,500 individuals of European and African American ancestry in the NHLBI Exome Sequencing Project, indicating it is not a common benign variant in these populations. Since Alanine and Valine share similar properties, this is considered a conservative amino acid substitution. BRCA2 Ala1891Val occurs at a position that is highly variable across species and is not located in a known functional domain. In addition, in silico analyses predict that this variant is unlikely to alter protein structure or function. Based on currently available information, it is unclear whether BRCA2 Ala1891Val is pathogenic or benign. We consider it to be a variant of uncertain significance.

Breakthrough Genomics
Classification: Uncertain significance. Review status: criteria provided, single submitter. Criteria: ACMG Guidelines, 2015. Collection method: not provided. Allele origin: germline. Inheritance: Autosomal recessive inheritance. Affected: yes.

Sharing Clinical Reports Project (SCRP)
Classification: Uncertain significance for Breast-ovarian cancer, familial 2. Last evaluated: 2009-12-14. Review status: no assertion criteria provided. Collection method: clinical testing. Allele origin: germline. Not counted in ClinVar's aggregate classification.

Literature cited by the submitters: PubMed 30982232 (cited by 3 submitters); PubMed 29684080 (cited by Quest Diagnostics Nichols Institute San Juan Capistrano); PubMed 29884841 (cited by Quest Diagnostics Nichols Institute San Juan Capistrano); PubMed 31853058 (cited by Quest Diagnostics Nichols Institute San Juan Capistrano); PubMed 31911673 (cited by Quest Diagnostics Nichols Institute San Juan Capistrano).